The following is an entry in ClinVar:

ClinVar aggregate classification (germline): Pathogenic/Likely pathogenic. Review status: criteria provided, multiple submitters, no conflicts (2 of 4 stars). 4 submissions from 4 submitters: Pathogenic (1); Likely pathogenic (1). 2 of the submissions do not count toward it. Last evaluated 2025-09-08.

Conditions:
Spastic paraplegia. Identifiers: MedGen C0037772, HP:0001258.
Leukodystrophy, hypomyelinating, 2. Also called: PELIZAEUS-MERZBACHER-LIKE DISEASE, 1. Identifiers: Orphanet 280270, Orphanet 280282, MedGen C1837355, MONDO:0012125, OMIM 608804.

Allele frequency attached by ClinVar (database versions not stated): TOPMed 0.00002.

Submissions (4):

Labcorp Genetics (formerly Invitae), Labcorp
Classification: Pathogenic for Spastic paraplegia. Last evaluated: 2025-09-08. Review status: criteria provided, single submitter. Criteria: Invitae Variant Classification Sherloc (09022015). Collection method: clinical testing. Allele origin: germline.
Comment: This variant occurs in a non-coding region of the GJC2 gene. It does not change the encoded amino acid sequence of the GJC2 protein. This variant is not present in population databases (gnomAD no frequency). This variant has been observed in individuals with Pelizaeus-Merzbacher-like disease (PMID: 24374284; Internal data). ClinVar contains an entry for this variant (Variation ID: 139577). Algorithms developed to predict the effect of variants on gene product structure and function are not available or were not evaluated for this variant. Experimental studies have shown that this variant affects GJC2 function (PMID: 24374284). For these reasons, this variant has been classified as Pathogenic.

Molecular Diagnostics Lab, Nemours Children's Health, Delaware
Classification: Likely pathogenic for Leukodystrophy, hypomyelinating, 2. Last evaluated: 2021-07-13. Review status: criteria provided, single submitter. Criteria: ACMG Guidelines, 2015. Collection method: clinical testing. Allele origin: biparental, unknown. Inheritance: Autosomal recessive inheritance. Affected: yes and no. Observed: 1 heterozygote, 2 homozygotes.
Comment: This variant (c.-170A>G, promoter region) has not been observed in population databases (gnomAD). The change has been reported in the literature, and functional studies indicate a decrease in protein expression (PMID 24374284). It was found to be homozygous in two unrelated affected individuals, and heterozygous in one unaffected sibling.

OMIM
Classification: Pathogenic for LEUKODYSTROPHY, HYPOMYELINATING, 2. Last evaluated: 2024-08-06. Review status: no assertion criteria provided. Collection method: literature only. Allele origin: germline. Not counted in ClinVar's aggregate classification.

GeneReviews
No classification provided. Condition: Leukodystrophy, hypomyelinating, 2. Review status: no classification provided. Collection method: literature only. Allele origin: germline. Not counted in ClinVar's aggregate classification.

Literature cited by the submitters: PubMed 24374284 (cited by 3 submitters); PubMed 27780564 (cited by OMIM and GeneReviews); PubMed 29276893 (cited by GeneReviews).

NC_000001.11:g.228149857A>G

Gene: GJC2 (gap junction protein gamma 2; plus strand). Cytogenetic location: 1q42.13.
Variant type: single nucleotide variant.
Genome position: GRCh38 VCF-style: chr1-228149857-A-G. GRCh37 (hg19) VCF-style: chr1-228337558-A-G.
Other names: 170G>A; -7902A>G; -170A-G.
Identifiers: ClinVar variation 139577 (VCV000139577.13), dbSNP rs587777496, ClinGen allele CA163276.